The following is an entry in ClinVar:

NM_000051.4(ATM):c.7544A>C (p.Lys2515Thr)

Genes: ATM (ATM serine/threonine kinase; plus strand), C11orf65 (chromosome 11 open reading frame 65; minus strand). Cytogenetic location: 11q22.3.
Variant type: single nucleotide variant.
Coding change: c.7544A>C on transcript NM_000051.4 (MANE Select); coding-DNA position 7544, A replaced by C.
Protein change: p.Lys2515Thr; replaces lysine 2515 with threonine.
Molecular consequence: missense variant. On other transcripts: non-coding transcript variant (1), intron variant (2).
Genome position (GRCh38, 1-based): chr11:108,331,472, A>C. VCF-style: chr11-108331472-A-C. GRCh37 (hg19) VCF-style: chr11-108202199-A-C.
Other names: c.7544A>C, p.Lys2515Thr (NM_001351834.2); c.641-22401T>G (NM_001330368.2); c.*38+3748T>G (NM_001351110.2); short protein forms K2515T.
Identifiers: ClinVar variation 827110 (VCV000827110.12), dbSNP rs1591167340, ClinGen allele CA382560692.

ClinVar aggregate classification (germline): Uncertain significance. Review status: criteria provided, multiple submitters, no conflicts (2 of 4 stars). 3 submissions from 3 submitters: Uncertain significance (3). Last evaluated 2024-12-16.

Conditions:
Hereditary cancer-predisposing syndrome. Also called: Tumor predisposition; Neoplastic Syndromes, Hereditary; Hereditary Cancer Syndrome; Hereditary neoplastic syndrome. Identifiers: Orphanet 140162, MedGen C0027672, MeSH D009386, MONDO:0015356.
Ataxia-telangiectasia syndrome (AT). Also called: ATAXIA-TELANGIECTASIA, COMPLEMENTATION GROUP A; ATAXIA-TELANGIECTASIA, FRESNO VARIANT; Ataxia-telangiectasia; Ataxia-telangiectasia, complementation group D; AT, COMPLEMENTATION GROUP C; Ataxia-telangiectasia, complementation group E. Identifiers: Orphanet 100, MedGen C0004135, MONDO:0008840, OMIM 208900.

Allele frequency attached by ClinVar (database versions not stated): gnomAD exomes below 0.00001.
gnomAD v4.1: 1 of 1,613,392 alleles (0.000062%); highest among the groups gnomAD compares: Non-Finnish European, 0.000085%; no homozygotes.

Submissions (3):

Ambry Genetics
Classification: Uncertain significance for Hereditary cancer-predisposing syndrome. Last evaluated: 2024-12-16. Review status: criteria provided, single submitter. Criteria: Ambry Variant Classification Scheme 2023. Collection method: clinical testing. Allele origin: germline.
Comment: The p.K2515T variant (also known as c.7544A>C), located in coding exon 50 of the ATM gene, results from an A to C substitution at nucleotide position 7544. The lysine at codon 2515 is replaced by threonine, an amino acid with similar properties. This amino acid position is highly conserved in available vertebrate species. In addition, this alteration is predicted to be deleterious by in silico analysis. Based on the available evidence, the clinical significance of this variant remains unclear.

GeneDx
Classification: Uncertain significance. Last evaluated: 2024-11-25. Review status: criteria provided, single submitter. Criteria: GeneDx Variant Classification Process June 2021. Collection method: clinical testing. Allele origin: germline. Affected: yes.
Comment: Not observed at significant frequency in large population cohorts (gnomAD); In silico analysis supports that this missense variant has a deleterious effect on protein structure/function; Has not been previously published as pathogenic or benign to our knowledge

Labcorp Genetics (formerly Invitae), Labcorp
Classification: Uncertain significance for Ataxia-telangiectasia syndrome. Last evaluated: 2022-03-10. Review status: criteria provided, single submitter. Criteria: Invitae Variant Classification Sherloc (09022015). Collection method: clinical testing. Allele origin: germline.
Comment: This sequence change replaces lysine, which is basic and polar, with threonine, which is neutral and polar, at codon 2515 of the ATM protein (p.Lys2515Thr). This variant is not present in population databases (gnomAD no frequency). This variant has not been reported in the literature in individuals affected with ATM-related conditions. ClinVar contains an entry for this variant (Variation ID: 827110). Advanced modeling of protein sequence and biophysical properties (such as structural, functional, and spatial information, amino acid conservation, physicochemical variation, residue mobility, and thermodynamic stability) performed at Invitae indicates that this missense variant is expected to disrupt ATM protein function. In summary, the available evidence is currently insufficient to determine the role of this variant in disease. Therefore, it has been classified as a Variant of Uncertain Significance.